The following is an entry in ClinVar:

ClinVar aggregate classification (germline): Pathogenic (1 of 4 stars; one submission).

Conditions:
Primary ciliary dyskinesia 28. Also called: CILIARY DYSKINESIA, PRIMARY, 28, WITH OR WITHOUT SITUS INVERSUS. Identifiers: Orphanet 244, MedGen C3809706, MONDO:0014216, OMIM 615505.

Submission:

Labcorp Genetics (formerly Invitae), Labcorp
Classification: Pathogenic for Ciliary dyskinesia, primary, 28. Last evaluated: 2018-11-16. Review status: criteria provided, single submitter. Criteria: Invitae Variant Classification Sherloc (09022015). Collection method: clinical testing. Allele origin: germline.
Comment: This variant is a deletion of the genomic region encompassing exons 5-6 and part of exon 7 (c.427-1071_624del) of the SPAG1 gene. It is expected to disrupt RNA splicing and likely results in an absent or disrupted protein product. Loss-of-function variants in SPAG1 are known to be pathogenic (PMID: 24055112). For these reasons, this variant has been classified as Pathogenic.

NM_003114.5(SPAG1):c.427-1065_630del

Gene: SPAG1 (sperm associated antigen 1; plus strand). Cytogenetic location: 8q22.2.
Variant type: Deletion.
Coding change: c.427-1065_630del on transcript NM_003114.5 (MANE Select); 1065 bases into the intron before coding-DNA position 427 through coding-DNA position 630, 2,353 bases deleted.
Molecular consequence: splice acceptor variant, splice donor variant.
Genome position (GRCh38, 1-based): chr8:100,182,310-100,184,662, 2,353 bases deleted. GRCh37 (hg19): chr8:101,194,538-101,196,890.
Other names: c.427-1065_630del (NM_001374321.1, NM_172218.3).
Identifiers: ClinVar variation 662557 (VCV000662557.1), ClinGen allele CA915948684.